The following is an entry in ClinVar:

NM_000222.3(KIT):c.1106G>C (p.Ser369Thr)

Gene: KIT (KIT proto-oncogene, receptor tyrosine kinase; plus strand). Cytogenetic location: 4q12.
Variant type: single nucleotide variant.
Coding change: c.1106G>C on transcript NM_000222.3 (MANE Select); coding-DNA position 1106, G replaced by C.
Protein change: p.Ser369Thr; replaces serine 369 with threonine.
Molecular consequence: missense variant.
Genome position (GRCh38, 1-based): chr4:54,707,278, G>C. VCF-style: chr4-54707278-G-C. GRCh37 (hg19) VCF-style: chr4-55573444-G-C.
Other names: c.1106G>C, p.Ser369Thr (NM_001093772.2, NM_001385285.1, NM_001385286.1); c.1109G>C, p.Ser370Thr (NM_001385284.1, NM_001385288.1, NM_001385290.1 and 1 more transcripts); short protein forms S369T, S370T.
Identifiers: ClinVar variation 652318 (VCV000652318.10), dbSNP rs746884875, ClinGen allele CA356901184.

ClinVar aggregate classification (germline): Uncertain significance. Review status: criteria provided, multiple submitters, no conflicts (2 of 4 stars). 2 submissions from 2 submitters: Uncertain significance (2). Last evaluated 2025-09-10.

Conditions:
Hereditary cancer-predisposing syndrome. Also called: Neoplastic Syndromes, Hereditary; Tumor predisposition; Hereditary Cancer Syndrome; Hereditary neoplastic syndrome. Identifiers: Orphanet 140162, MedGen C0027672, MeSH D009386, MONDO:0015356.
Gastrointestinal stromal tumor. Also called: Gastrointestinal stromal tumor, somatic; Gastrointestinal stroma tumor. Identifiers: Orphanet 44890, MedGen C0238198, MeSH D046152, MONDO:0011719, OMIM 606764, HP:0100723.

gnomAD v4.1: 2 of 1,606,736 alleles (0.00012%); highest among the groups gnomAD compares: Non-Finnish European, 0.00017%; no homozygotes.

Submissions (2):

Ambry Genetics
Classification: Uncertain significance for Hereditary cancer-predisposing syndrome. Last evaluated: 2025-09-10. Review status: criteria provided, single submitter. Criteria: Ambry Variant Classification Scheme 2023. Collection method: clinical testing. Allele origin: germline.
Comment: The p.S369T variant (also known as c.1106G>C), located in coding exon 6 of the KIT gene, results from a G to C substitution at nucleotide position 1106. The serine at codon 369 is replaced by threonine, an amino acid with similar properties. This amino acid position is conserved. In addition, this alteration is predicted to be tolerated by in silico analysis. Based on the available evidence, the clinical significance of this variant remains unclear.

Labcorp Genetics (formerly Invitae), Labcorp
Classification: Uncertain significance for Gastrointestinal stromal tumor. Last evaluated: 2020-07-30. Review status: criteria provided, single submitter. Criteria: Invitae Variant Classification Sherloc (09022015). Collection method: clinical testing. Allele origin: germline.
Comment: This variant is not present in population databases (ExAC no frequency). This variant has not been reported in the literature in individuals with KIT-related disease. Algorithms developed to predict the effect of missense changes on protein structure and function (SIFT, PolyPhen-2, Align-GVGD) all suggest that this variant is likely to be tolerated, but these predictions have not been confirmed by published functional studies and their clinical significance is uncertain. This sequence change replaces serine with threonine at codon 369 of the KIT protein (p.Ser369Thr). The serine residue is moderately conserved and there is a small physicochemical difference between serine and threonine. In summary, the available evidence is currently insufficient to determine the role of this variant in disease. Therefore, it has been classified as a Variant of Uncertain Significance.